The following is an entry in ClinVar:

NM_001754.5(RUNX1):c.310A>G (p.Thr104Ala)

Gene: RUNX1 (RUNX family transcription factor 1; minus strand). Cytogenetic location: 21q22.12.
Variant type: single nucleotide variant.
Coding change: c.310A>G on transcript NM_001754.5 (MANE Select); coding-DNA position 310, A replaced by G.
Protein change: p.Thr104Ala; replaces threonine 104 with alanine.
Molecular consequence: missense variant.
Genome position (GRCh38, 1-based): chr21:34,886,884, T>C on the plus strand (A>G on the coding strand, the complement: RUNX1 is on the minus strand). VCF-style: chr21-34886884-T-C. GRCh37 (hg19) VCF-style: chr21-36259181-T-C.
Other names: NM_001754.5(RUNX1):c.310A>G; p.Thr104Ala; c.229A>G, p.Thr77Ala (NM_001001890.3, NM_001122607.2); short protein forms T104A, T77A.
Identifiers: ClinVar variation 2073628 (VCV002073628.6), dbSNP rs1247386323, ClinGen allele CA410203539.

ClinVar aggregate classification (germline): Uncertain significance. Review status: reviewed by expert panel (3 of 4 stars). 2 submissions from 2 submitters: Uncertain significance (1). 1 of the submissions does not count toward it. Last evaluated 2025-05-02.

Conditions:
Hereditary thrombocytopenia and hematologic cancer predisposition syndrome. Identifiers: Orphanet 71290, MedGen CN281654, MONDO:0011071.
Hereditary thrombocytopenia and hematological cancer predisposition syndrome associated with RUNX1. Also called: Familial Platelet Disorder with Propensity to Acute Myelogenous Leukemia; Familial thrombocytopenia with propensity to acute myelogenous leukemia; PLATELET DISORDER, ASPIRIN-LIKE; RUNX1 Familial Platelet Disorder with Associated Myeloid Malignancies. Identifiers: Orphanet 71290, MedGen C1832388, MeSH C563324, MONDO:0100083, OMIM 601399.

Allele frequency attached by ClinVar (database versions not stated): gnomAD exomes 0.00001.
gnomAD v4.1: 3 of 1,613,612 alleles (0.00019%); highest among the groups gnomAD compares: Non-Finnish European, 0.00025%; no homozygotes.

Submissions (2):

ClinGen Myeloid Malignancy Variant Curation Expert Panel
Classification: Uncertain significance for Hereditary thrombocytopenia and hematologic cancer predisposition syndrome. Last evaluated: 2025-05-02. Review status: reviewed by expert panel. Criteria: ClinGen MyeloMalig ACMG Specifications v2. Collection method: curation. Allele origin: germline. Inheritance: Autosomal dominant inheritance.
Comment: NM_001754.5(RUNX1):c.310A>G (p.Thr104Ala) is a missense variant which is located within the Runt Homology Domain (AA 89–204), but does not occur in an established hotspot residue (PM1_Supporting). This variant is extremely rare, having been detected in only one individual in gnomAD v2.1.1 and absent from gnomAD v3.1.2. The REVEL score is 0.604, which does not meet thresholds for applying PP3 or BP4. No other missense variants at this residue, or with the same amino acid substitution, have been classified as pathogenic. In summary, the clinical significance of this variant is uncertain. ACMG/AMP criteria applied, as specified by the Myeloid Malignancy Variant Curation Expert Panel for RUNX1: PM1_Supporting.

Labcorp Genetics (formerly Invitae), Labcorp
Classification: Uncertain significance for Hereditary thrombocytopenia and hematological cancer predisposition syndrome associated with RUNX1. Last evaluated: 2022-09-10. Review status: criteria provided, single submitter. Criteria: Invitae Variant Classification Sherloc (09022015). Collection method: clinical testing. Allele origin: germline. Not counted in ClinVar's aggregate classification.
Comment: In summary, the available evidence is currently insufficient to determine the role of this variant in disease. Therefore, it has been classified as a Variant of Uncertain Significance. Algorithms developed to predict the effect of missense changes on protein structure and function (SIFT, PolyPhen-2, Align-GVGD) all suggest that this variant is likely to be tolerated. This variant has not been reported in the literature in individuals affected with RUNX1-related conditions. This variant is present in population databases (no rsID available, gnomAD 0.0009%). This sequence change replaces threonine, which is neutral and polar, with alanine, which is neutral and non-polar, at codon 104 of the RUNX1 protein (p.Thr104Ala).